The following is an entry in ClinVar:

ClinVar aggregate classification (germline): Uncertain significance (1 of 4 stars; one submission).

Allele frequency attached by ClinVar (database versions not stated): ExAC 0.00006.
gnomAD v4.1: 9 of 1,608,914 alleles (0.00056%); highest among the groups gnomAD compares: Admixed American, 0.015%; no homozygotes.

Submission:

Labcorp Genetics (formerly Invitae), Labcorp
Classification: Uncertain significance. Last evaluated: 2022-10-24. Review status: criteria provided, single submitter. Criteria: Invitae Variant Classification Sherloc (09022015). Collection method: clinical testing. Allele origin: germline.
Comment: In summary, the available evidence is currently insufficient to determine the role of this variant in disease. Therefore, it has been classified as a Variant of Uncertain Significance. This sequence change replaces alanine, which is neutral and non-polar, with threonine, which is neutral and polar, at codon 192 of the MCM5 protein (p.Ala192Thr). This variant is present in population databases (rs772409186, gnomAD 0.01%). This variant has not been reported in the literature in individuals affected with MCM5-related conditions. Advanced modeling of protein sequence and biophysical properties (such as structural, functional, and spatial information, amino acid conservation, physicochemical variation, residue mobility, and thermodynamic stability) performed at Invitae indicates that this missense variant is not expected to disrupt MCM5 protein function.

NM_006739.4(MCM5):c.574G>A (p.Ala192Thr)

Gene: MCM5 (minichromosome maintenance complex component 5; plus strand). Cytogenetic location: 22q12.3.
Variant type: single nucleotide variant.
Coding change: c.574G>A on transcript NM_006739.4 (MANE Select); coding-DNA position 574, G replaced by A.
Protein change: p.Ala192Thr; replaces alanine 192 with threonine.
Molecular consequence: missense variant.
Genome position (GRCh38, 1-based): chr22:35,406,703, G>A. VCF-style: chr22-35406703-G-A. GRCh37 (hg19) VCF-style: chr22-35802696-G-A.
Other names: short protein forms A192T.
Identifiers: ClinVar variation 2055292 (VCV002055292.4), dbSNP rs772409186, ClinGen allele CA10205075.